The following is an entry in ClinVar:

ClinVar aggregate classification (germline): Uncertain significance. Review status: criteria provided, multiple submitters, no conflicts (2 of 4 stars). 3 submissions from 3 submitters: Uncertain significance (2). 1 of the submissions does not count toward it. Last evaluated 2023-06-28.

Conditions:
Global developmental delay (DD). Also called: Cognitive delay. Identifiers: MedGen C0557874, HP:0001263. Disease mechanism: loss of function.

gnomAD v4.1: 101 of 1,199,196 alleles (0.0084%); highest among the groups gnomAD compares: Non-Finnish European, 0.011%; no homozygotes.

Submissions (3):

Blueprint Genetics
Classification: Uncertain significance. Last evaluated: 2023-06-28. Review status: criteria provided, single submitter. Criteria: ACMG Guidelines, 2015. Collection method: clinical testing. Allele origin: germline.

GeneDx
Classification: Uncertain significance. Last evaluated: 2020-10-09. Review status: criteria provided, single submitter. Criteria: GeneDx Variant Classification Process June 2021. Collection method: clinical testing. Allele origin: germline. Affected: yes.
Comment: In silico analysis, which includes protein predictors and evolutionary conservation, supports that this variant does not alter protein structure/function; Has not been previously published as pathogenic or benign to our knowledge

Centre de Biologie Pathologie Génétique, Centre Hospitalier Universitaire de Lille
Classification: Uncertain significance for Global developmental delay. Last evaluated: 2020-01-01. Review status: no assertion criteria provided. Collection method: clinical testing. Allele origin: germline. Affected: yes. Not counted in ClinVar's aggregate classification.

NM_001379451.1(BCORL1):c.3601G>C (p.Glu1201Gln)

Gene: BCORL1 (BCL6 corepressor like 1; plus strand). Cytogenetic location: Xq26.1.
Variant type: single nucleotide variant.
Coding change: c.3601G>C on transcript NM_001379451.1 (MANE Select); coding-DNA position 3601, G replaced by C.
Protein change: p.Glu1201Gln; replaces glutamic acid 1201 with glutamine.
Molecular consequence: missense variant.
Genome position (GRCh38, 1-based): chrX:130,021,144, G>C. VCF-style: chrX-130021144-G-C. GRCh37 (hg19) VCF-style: chrX-129155119-G-C.
Other names: c.3601G>C, p.Glu1201Gln (NM_001184772.3, NM_001379450.1, NM_021946.5); short protein forms E1201Q.
Identifiers: ClinVar variation 1174079 (VCV001174079.4), dbSNP rs372174837, ClinGen allele CA10514544.